The following is an entry in ClinVar:

NM_001048174.2(MUTYH):c.1206C>T (p.Pro402=)

Gene: MUTYH (mutY DNA glycosylase; minus strand). Cytogenetic location: 1p34.1.
Variant type: single nucleotide variant.
Coding change: c.1206C>T on transcript NM_001048174.2 (MANE Select); coding-DNA position 1206, C replaced by T.
Protein change: p.Pro402=; no amino-acid change (proline 402 retained).
Molecular consequence: synonymous variant. On other transcripts: non-coding transcript variant (2).
Genome position (GRCh38, 1-based): chr1:45,331,453, G>A on the plus strand (C>T on the coding strand, the complement: MUTYH is on the minus strand). VCF-style: chr1-45331453-G-A. GRCh37 (hg19) VCF-style: chr1-45797125-G-A.
Other names: c.1206C>T, p.Pro402= (NM_001048171.2, NM_001048173.2, NM_001293195.2); c.1209C>T, p.Pro403= (NM_001048172.2); c.1290C>T, p.Pro430= (NM_001128425.2); c.1251C>T, p.Pro417= (NM_001293190.2); c.1239C>T, p.Pro413= (NM_001293191.2); c.930C>T, p.Pro310= (NM_001293192.2, NM_001293196.2); c.861C>T, p.Pro287= (NM_001350650.2, NM_001350651.2); c.1281C>T, p.Pro427= (NM_012222.3).
Identifiers: ClinVar variation 230692 (VCV000230692.21), dbSNP rs752408891, ClinGen allele CA055873.

ClinVar aggregate classification (germline): Benign/Likely benign. Review status: criteria provided, multiple submitters, no conflicts (2 of 4 stars). 10 submissions from 10 submitters: Benign (2); Likely benign (8). Last evaluated 2026-01-28.

Conditions:
Hereditary cancer-predisposing syndrome. Also called: Tumor predisposition; Hereditary Cancer Syndrome; Neoplastic Syndromes, Hereditary; Hereditary neoplastic syndrome. Identifiers: Orphanet 140162, MedGen C0027672, MeSH D009386, MONDO:0015356.
Familial adenomatous polyposis 2. Also called: MYH-associated polyposis; FAP type 2; ADENOMAS, MULTIPLE COLORECTAL, AUTOSOMAL RECESSIVE; MUTYH Polyposis; MUTYH-associated polyposis; MUTYH-related attenuated familial adenomatous polyposis. Identifiers: Orphanet 220460, Orphanet 247798, MedGen C3272841, MONDO:0012041, OMIM 608456.

Allele frequency attached by ClinVar (database versions not stated): gnomAD 0.00001 and 0.00005; TOPMed 0.00001; gnomAD exomes 0.00024; ExAC 0.00026.
gnomAD v4.1: 181 of 1,614,122 alleles (0.011%); highest among the groups gnomAD compares: South Asian, 0.19%; 1 homozygote.

Submissions (10):

Labcorp Genetics (formerly Invitae), Labcorp
Classification: Benign for Familial adenomatous polyposis 2. Last evaluated: 2026-01-28. Review status: criteria provided, single submitter. Criteria: Invitae Variant Classification Sherloc (09022015). Collection method: clinical testing. Allele origin: germline.

Institute for Biomarker Research, Medical Diagnostic Laboratories, L.L.C.
Classification: Likely benign for Hereditary cancer-predisposing syndrome. Last evaluated: 2023-12-19. Review status: criteria provided, single submitter. Criteria: ACMG Guidelines, 2015. Collection method: clinical testing. Allele origin: germline.

All of Us Research Program, National Institutes of Health
Classification: Likely benign for Familial adenomatous polyposis 2. Last evaluated: 2023-11-02. Review status: criteria provided, single submitter. Criteria: ACMG Guidelines, 2015. Collection method: clinical testing. Allele origin: germline. Inheritance: Autosomal recessive inheritance. Observed: 4 variant alleles, 4 heterozygotes.
Comment: This study involves interpretation of variants in research participants for the purpose of population health screening. Participant phenotype was not available at the time of variant classification. Additional details can be found in publication PMID: 35346344, PMCID: PMC8962531

Women's Health and Genetics/Laboratory Corporation of America, LabCorp
Classification: Likely benign. Last evaluated: 2022-04-28. Review status: criteria provided, single submitter. Criteria: LabCorp Variant Classification Summary - May 2015. Collection method: clinical testing. Allele origin: germline.

Sema4
Classification: Likely benign for Hereditary cancer-predisposing syndrome. Last evaluated: 2021-07-12. Review status: criteria provided, single submitter. Criteria: Sema4 Curation Guidelines. Collection method: curation. Allele origin: germline.

Quest Diagnostics Nichols Institute San Juan Capistrano
Classification: Likely benign. Last evaluated: 2021-04-16. Review status: criteria provided, single submitter. Criteria: Quest Diagnostics criteria. Collection method: clinical testing. Allele origin: unknown.

Department of Pathology and Laboratory Medicine, Sinai Health System
Classification: Likely benign for Familial adenomatous polyposis 2. Last evaluated: 2020-03-13. Review status: criteria provided, single submitter. Criteria: ACMG Guidelines, 2015. Collection method: clinical testing. Allele origin: germline. Affected: yes.

Color Diagnostics, LLC DBA Color Health
Classification: Likely benign for Hereditary cancer-predisposing syndrome. Last evaluated: 2017-06-12. Review status: criteria provided, single submitter. Criteria: ACMG Guidelines, 2015. Collection method: clinical testing. Allele origin: germline.

GeneDx
Classification: Benign. Last evaluated: 2015-08-19. Review status: criteria provided, single submitter. Criteria: GeneDx Variant Classification (06012015). Collection method: clinical testing. Allele origin: germline. Affected: yes.
Comment: This variant is considered likely benign or benign based on one or more of the following criteria: it is a conservative change, it occurs at a poorly conserved position in the protein, it is predicted to be benign by multiple in silico algorithms, and/or has population frequency not consistent with disease.

Ambry Genetics
Classification: Likely benign for Hereditary cancer-predisposing syndrome. Last evaluated: 2015-02-28. Review status: criteria provided, single submitter. Criteria: Ambry Variant Classification Scheme 2023. Collection method: clinical testing. Allele origin: germline.